The following is an entry in ClinVar:

ClinVar aggregate classification (germline): Benign. Review status: criteria provided, single submitter (1 of 4 stars). 2 submissions from 2 submitters: Benign (1). 1 of the submissions does not count toward it. Last evaluated 2025-12-23.

Conditions:
MYO5B-related disorder. Also called: MYO5B-related condition.

Allele frequency attached by ClinVar (database versions not stated): gnomAD 0.00003; gnomAD exomes 0.00056; ExAC 0.07120.

Submissions (2):

Labcorp Genetics (formerly Invitae), Labcorp
Classification: Benign. Last evaluated: 2025-12-23. Review status: criteria provided, single submitter. Criteria: Invitae Variant Classification Sherloc (09022015). Collection method: clinical testing. Allele origin: germline.

PreventionGenetics, part of Exact Sciences
Classification: Benign for MYO5B-related condition. Last evaluated: 2023-06-22. Review status: no assertion criteria provided. Collection method: clinical testing. Allele origin: germline. Not counted in ClinVar's aggregate classification.
Comment: This variant is classified as benign based on ACMG/AMP sequence variant interpretation guidelines (Richards et al. 2015 PMID: 25741868, with internal and published modifications).

NM_001080467.3(MYO5B):c.5108T>C (p.Val1703Ala)

Genes: SNHG22 (small nucleolar RNA host gene 22; plus strand), MYO5B (myosin VB; minus strand). Cytogenetic location: 18q21.1.
Variant type: single nucleotide variant.
Coding change: c.5108T>C on transcript NM_001080467.3 (MANE Select); coding-DNA position 5108, T replaced by C.
Protein change: p.Val1703Ala; replaces valine 1703 with alanine.
Molecular consequence: missense variant.
Genome position (GRCh38, 1-based): chr18:49,837,547, A>G on the plus strand (T>C on the coding strand, the complement: MYO5B is on the minus strand). VCF-style: chr18-49837547-A-G. GRCh37 (hg19) VCF-style: chr18-47363917-A-G.
Other names: c.5108T>C (NM_001080467.2); short protein forms V1703A.
Identifiers: ClinVar variation 1642834 (VCV001642834.10), dbSNP rs138128932, ClinGen allele CA8960143.